The following is an entry in ClinVar:

NM_001379110.1(SLC9A6):c.-51G>A

Gene: SLC9A6 (solute carrier family 9 member A6; plus strand). Cytogenetic location: Xq26.3.
Variant type: single nucleotide variant.
Coding change: c.-51G>A on transcript NM_001379110.1 (MANE Select); 51 bases upstream of the start codon, G replaced by A.
Molecular consequence: 5 prime UTR variant. On other transcripts: missense variant (2), intron variant (1).
Genome position (GRCh38, 1-based): chrX:135,985,608, G>A. VCF-style: chrX-135985608-G-A. GRCh37 (hg19) VCF-style: chrX-135067767-G-A.
Other names: c.106G>A, p.Val36Ile (NM_001042537.2, NM_006359.3); c.-51G>A (NM_001177651.2, NM_001330652.2, NM_001400910.1 and 3 more transcripts); c.-35-16G>A (NM_001400909.1); short protein forms V36I.
Identifiers: ClinVar variation 1783022 (VCV001783022.2), dbSNP rs2089321131, ClinGen allele CA414606524.
Genomic context (GRCh38, chrX:135,985,608, plus strand): 5'-GGCAGCAGTCCCCGAGCCCGCAGGCTCATGCGGCCCCTTTGGTTGCTCCTCGCAGTGGGC[G>A]TCTTTGACTGGGCAGGGGCTTCGGACGGCGGCGGCGGAGAGGCTAGAGCCATGGACGAGG-3'

ClinVar aggregate classification (germline): Uncertain significance (1 of 4 stars; one submission).

Conditions:
Inborn genetic diseases. Identifiers: MedGen C0950123, MeSH D030342.

Submission:

Ambry Genetics
Classification: Uncertain significance for Inborn genetic diseases. Last evaluated: 2017-11-30. Review status: criteria provided, single submitter. Criteria: Ambry Variant Classification Scheme 2023. Collection method: clinical testing. Allele origin: germline.
Comment: The p.V36I variant (also known as c.106G>A), located in coding exon 1 of the SLC9A6 gene, results from a G to A substitution at nucleotide position 106. The valine at codon 36 is replaced by isoleucine, an amino acid with highly similar properties. This amino acid position is not well conserved in available vertebrate species. In addition, this alteration is predicted to be tolerated by in silico analysis. Since supporting evidence is limited at this time, the clinical significance of this alteration remains unclear.